The following is an entry in ClinVar:

NM_000406.3(GNRHR):c.836G>A (p.Cys279Tyr)

Gene: GNRHR (gonadotropin releasing hormone receptor; minus strand). Cytogenetic location: 4q13.2.
Variant type: single nucleotide variant.
Coding change: c.836G>A on transcript NM_000406.3 (MANE Select); coding-DNA position 836, G replaced by A.
Protein change: p.Cys279Tyr; replaces cysteine 279 with tyrosine.
Molecular consequence: missense variant. On other transcripts: synonymous variant (1).
Genome position (GRCh38, 1-based): chr4:67,740,631, C>T on the plus strand (G>A on the coding strand, the complement: GNRHR is on the minus strand). VCF-style: chr4-67740631-C-T. GRCh37 (hg19) VCF-style: chr4-68606349-C-T.
Other names: c.708G>A, p.Leu236= (NM_001012763.2); short protein forms C279Y.
Identifiers: ClinVar variation 1301193 (VCV001301193.12), dbSNP rs763161932, ClinGen allele CA2938848.
Genomic context (GRCh38, chr4:67,740,631, plus strand): 5'-CTGTTTAACATTTCAGGATCAAACCAATACCAAATTCCTAGGACATAGTAGGGAGTCCAG[C>T]AGACAGTAAATGAAGTGGCAAATGCAACCGTCATTTTTAGAGTCTTCAGCCGTGCTCTTG-3'
Protein context (NP_000397.1, residues 269-289): TVAFATSFTV[Cys279Tyr]WTPYYVLGIW

ClinVar aggregate classification (germline): Pathogenic/Likely pathogenic. Review status: criteria provided, multiple submitters, no conflicts (2 of 4 stars). 3 submissions from 3 submitters: Pathogenic (2); Likely pathogenic (1). Last evaluated 2025-08-01.

Allele frequency attached by ClinVar (database versions not stated): TOPMed below 0.00001; gnomAD exomes 0.00002 and 0.00006; ExAC 0.00007.
gnomAD v4.1: 31 of 1,612,134 alleles (0.0019%); highest among the groups gnomAD compares: South Asian, 0.034%; no homozygotes.

Submissions (3):

CeGaT Center for Human Genetics Tuebingen
Classification: Likely pathogenic. Last evaluated: 2025-08-01. Review status: criteria provided, single submitter. Criteria: CeGaT Center For Human Genetics Tuebingen Variant Classification Criteria Version 2. Collection method: clinical testing. Allele origin: germline. Affected: yes. Observed: 1 variant allele.
Comment: GNRHR: PM2, PM3, PS3:Moderate

Labcorp Genetics (formerly Invitae), Labcorp
Classification: Pathogenic. Last evaluated: 2024-07-01. Review status: criteria provided, single submitter. Criteria: Invitae Variant Classification Sherloc (09022015). Collection method: clinical testing. Allele origin: germline.
Comment: This sequence change replaces cysteine, which is neutral and slightly polar, with tyrosine, which is neutral and polar, at codon 279 of the GNRHR protein (p.Cys279Tyr). This variant is present in population databases (rs763161932, gnomAD 0.05%). This missense change has been observed in individuals with GNRHR-related conditions (PMID: 22745237, 35133534). ClinVar contains an entry for this variant (Variation ID: 1301193). Advanced modeling of protein sequence and biophysical properties (such as structural, functional, and spatial information, amino acid conservation, physicochemical variation, residue mobility, and thermodynamic stability) performed at Invitae indicates that this missense variant is expected to disrupt GNRHR protein function with a positive predictive value of 80%. Experimental studies have shown that this missense change affects GNRHR function (PMID: 12364481, 12890567). For these reasons, this variant has been classified as Pathogenic.

GeneDx
Classification: Pathogenic. Last evaluated: 2021-09-21. Review status: criteria provided, single submitter. Criteria: GeneDx Variant Classification Process June 2021. Collection method: clinical testing. Allele origin: germline. Affected: yes.
Comment: Published functional studies demonstrate a damaging effect: impaired Buserelin binding and lack of inositol phosphates accumulation in vitro (Beranova et al., 2001; Leanos-Miranda et al., 2002; Janovick et al., 2002; Bedecarrats et al., 2003); In silico analysis supports that this missense variant has a deleterious effect on protein structure/function; This variant is associated with the following publications: (PMID: 25472840, 22745237, 12107234, 12890567, 11297587, 26708526, 30415482, 16213849, 12667096, 25949097, 21736917, 21645587, 11987903, 20389088, 12364481)

Literature cited by the submitters: PubMed 22745237 (cited by Labcorp Genetics (formerly Invitae), Labcorp); PubMed 35133534 (cited by Labcorp Genetics (formerly Invitae), Labcorp); PubMed 12364481 (cited by Labcorp Genetics (formerly Invitae), Labcorp); PubMed 12890567 (cited by Labcorp Genetics (formerly Invitae), Labcorp).